The following is an entry in ClinVar:

ClinVar aggregate classification (germline): Likely pathogenic (1 of 4 stars; one submission).

Conditions:
Alport syndrome. Also called: Hemorrhagic familial nephritis; Hemorrhagic hereditary nephritis; Congenital hereditary hematuria. Identifiers: Orphanet 63, MedGen C1567741, MONDO:0018965.

Submission:

Myriad Genetics, Inc.
Classification: Likely pathogenic for Alport syndrome. Last evaluated: 2026-06-03. Review status: criteria provided, single submitter. Criteria: Myriad Autosomal Dominant, Autosomal Recessive and X-Linked Classification Criteria (2023). Collection method: clinical testing. Allele origin: unknown.
Comment: NM_000092.4(COL4A4):c.2671G>C(G891R) is a missense variant classified as likely pathogenic in the context of Alport syndrome, COL4A4-related. G891R has been observed in a case with relevant disease (PMID: 39540369). Relevant functional assessments of this variant are not available in the literature. Internal structural analysis of the variant is supportive of pathogenicity. G891R has not been observed in referenced population frequency databases. In summary, NM_000092.4(COL4A4):c.2671G>C(G891R) is a missense variant that has internal structural support for pathogenicity and has been observed more frequently in cases with the relevant disease than in healthy populations. Please note: this variant was assessed in the context of healthy population screening.

Literature cited by the submitters: PubMed 39540369.

NM_000092.5(COL4A4):c.2671G>C (p.Gly891Arg)

Gene: COL4A4 (collagen type IV alpha 4 chain; minus strand). Cytogenetic location: 2q36.3.
Variant type: single nucleotide variant.
Coding change: c.2671G>C on transcript NM_000092.5 (MANE Select); coding-DNA position 2671, G replaced by C.
Protein change: p.Gly891Arg; replaces glycine 891 with arginine.
Molecular consequence: missense variant.
Genome position (GRCh38, 1-based): chr2:227,055,990, C>G on the plus strand (G>C on the coding strand, the complement: COL4A4 is on the minus strand). VCF-style: chr2-227055990-C-G. GRCh37 (hg19) VCF-style: chr2-227920706-C-G.
Other names: short protein forms G891R.
Identifiers: ClinVar variation 5004707 (VCV005004707.1).